The following is an entry in ClinVar:

ClinVar aggregate classification (germline): Likely benign. Review status: criteria provided, multiple submitters, no conflicts (2 of 4 stars). 3 submissions from 3 submitters: Likely benign (3). Last evaluated 2025-08-12.

Allele frequency attached by ClinVar (database versions not stated): ExAC 0.00002; gnomAD exomes 0.00002 and 0.00003; gnomAD 0.00003 and 0.00004; TOPMed 0.00007.
gnomAD v4.1: 57 of 1,613,014 alleles (0.0035%); highest among the groups gnomAD compares: East Asian, 0.0089%; no homozygotes.

Submissions (3):

Labcorp Genetics (formerly Invitae), Labcorp
Classification: Likely benign. Last evaluated: 2025-08-12. Review status: criteria provided, single submitter. Criteria: Invitae Variant Classification Sherloc (09022015). Collection method: clinical testing. Allele origin: germline.

Blueprint Genetics
Classification: Likely benign. Last evaluated: 2024-05-08. Review status: criteria provided, single submitter. Criteria: ACMG Guidelines, 2015. Collection method: clinical testing. Allele origin: germline.

Laboratory for Molecular Medicine, Mass General Brigham Personalized Medicine
Classification: Likely benign. Last evaluated: 2013-08-16. Review status: criteria provided, single submitter. Criteria: LMM Criteria. Collection method: clinical testing. Allele origin: germline. Observed: 1 variant allele.
Comment: Asn1671Asn in exon 35 of MYH9: This variant is not expected to have clinical sig nificance because it does not alter an amino acid residue and it is not located within the splice consensus sequence.

NM_002473.6(MYH9):c.5013C>T (p.Asn1671=)

Gene: MYH9 (myosin heavy chain 9; minus strand). Cytogenetic location: 22q12.3.
Variant type: single nucleotide variant.
Coding change: c.5013C>T on transcript NM_002473.6 (MANE Select); coding-DNA position 5013, C replaced by T.
Protein change: p.Asn1671=; no amino-acid change (asparagine 1671 retained).
Molecular consequence: synonymous variant.
Genome position (GRCh38, 1-based): chr22:36,286,766, G>A on the plus strand (C>T on the coding strand, the complement: MYH9 is on the minus strand). VCF-style: chr22-36286766-G-A. GRCh37 (hg19) VCF-style: chr22-36682812-G-A.
Identifiers: ClinVar variation 179163 (VCV000179163.12), dbSNP rs367872152, ClinGen allele CA183846.